The following is an entry in ClinVar:

ClinVar aggregate classification (germline): Conflicting classifications of pathogenicity. Review status: criteria provided, conflicting classifications (1 of 4 stars). 3 submissions from 3 submitters: Uncertain significance (2); Likely benign (1). Last evaluated 2024-08-04.

Conditions:
Hereditary cancer-predisposing syndrome. Also called: Neoplastic Syndromes, Hereditary; Tumor predisposition; Hereditary Cancer Syndrome; Hereditary neoplastic syndrome. Identifiers: Orphanet 140162, MedGen C0027672, MeSH D009386, MONDO:0015356.
Hereditary breast ovarian cancer syndrome. Also called: Hereditary breast and ovarian cancer syndrome; Hereditary breast and ovarian cancer; Hereditary breast and ovarian cancer syndrome (HBOC); Breast and ovarian cancer; Hereditary breast and/or ovarian cancer syndrome; BRCA1- and BRCA2-Associated Hereditary Breast and Ovarian Cancer. Identifiers: Orphanet 145, MedGen C0677776, MeSH D061325, MONDO:0003582. Disease mechanism: loss of function.

Submissions (3):

Labcorp Genetics (formerly Invitae), Labcorp
Classification: Uncertain significance for Hereditary breast ovarian cancer syndrome. Last evaluated: 2024-08-04. Review status: criteria provided, single submitter. Criteria: Invitae Variant Classification Sherloc (09022015). Collection method: clinical testing. Allele origin: germline.
Comment: This sequence change replaces isoleucine, which is neutral and non-polar, with methionine, which is neutral and non-polar, at codon 27 of the BRCA2 protein (p.Ile27Met). This variant is not present in population databases (gnomAD no frequency). This variant has not been reported in the literature in individuals affected with BRCA2-related conditions. ClinVar contains an entry for this variant (Variation ID: 481566). Advanced modeling of protein sequence and biophysical properties (such as structural, functional, and spatial information, amino acid conservation, physicochemical variation, residue mobility, and thermodynamic stability) performed at Invitae indicates that this missense variant is not expected to disrupt BRCA2 protein function with a negative predictive value of 95%. In summary, the available evidence is currently insufficient to determine the role of this variant in disease. Therefore, it has been classified as a Variant of Uncertain Significance.

Women's Health and Genetics/Laboratory Corporation of America, LabCorp
Classification: Uncertain significance. Last evaluated: 2024-04-14. Review status: criteria provided, single submitter. Criteria: LabCorp Variant Classification Summary - May 2015. Collection method: clinical testing. Allele origin: germline.

Ambry Genetics
Classification: Likely benign for Hereditary cancer-predisposing syndrome. Last evaluated: 2019-11-19. Review status: criteria provided, single submitter. Criteria: Ambry Variant Classification Scheme 2023. Collection method: clinical testing. Allele origin: germline.

Literature cited by the submitters: PubMed 19609323 (cited by Ambry Genetics).

NM_000059.4(BRCA2):c.81A>G (p.Ile27Met)

Gene: BRCA2 (BRCA2 DNA repair associated; plus strand). Cytogenetic location: 13q13.1.
Variant type: single nucleotide variant.
Coding change: c.81A>G on transcript NM_000059.4 (MANE Select); coding-DNA position 81, A replaced by G.
Protein change: p.Ile27Met; replaces isoleucine 27 with methionine.
Molecular consequence: missense variant.
Genome position (GRCh38, 1-based): chr13:32,319,090, A>G. VCF-style: chr13-32319090-A-G. GRCh37 (hg19) VCF-style: chr13-32893227-A-G.
Other names: short protein forms I27M.
Identifiers: ClinVar variation 481566 (VCV000481566.14), dbSNP rs1555280333, ClinGen allele CA387754061.
Genomic context (GRCh38, chr13:32,319,090, plus strand): 5'-TTGTCTGTCACTGGTTAAAACTAAGGTGGGATTTTTTTTTTAAATAGATTTAGGACCAAT[A>G]AGTCTTAATTGGTTTGAAGAACTTTCTTCAGAAGCTCCACCCTATAATTCTGAACCTGCA-3'
Protein context (NP_000050.3, residues 17-37): TRCNKADLGP[Ile27Met]SLNWFEELSS